The following is an entry in ClinVar:

NM_000533.5(PLP1):c.121A>C (p.Thr41Pro)

Genes: PLP1 (proteolipid protein 1; plus strand), RAB9B (RAB9B, member RAS oncogene family; minus strand). Cytogenetic location: Xq22.2.
Variant type: single nucleotide variant.
Coding change: c.121A>C on transcript NM_000533.5 (MANE Select); coding-DNA position 121, A replaced by C.
Protein change: p.Thr41Pro; replaces threonine 41 with proline.
Molecular consequence: missense variant. On other transcripts: intron variant (1).
Genome position (GRCh38, 1-based): chrX:103,785,698, A>C. VCF-style: chrX-103785698-A-C. GRCh37 (hg19) VCF-style: chrX-103040627-A-C.
Other names: c.121A>C, p.Thr41Pro (NM_001128834.3, NM_199478.3); c.5-49A>C (NM_001305004.1); short protein forms T41P.
Identifiers: ClinVar variation 3255438 (VCV003255438.2), dbSNP rs1005010589.

ClinVar aggregate classification (germline): Likely pathogenic (1 of 4 stars; one submission).

Conditions:
Pelizaeus-Merzbacher disease. Also called: LEUKODYSTROPHY, HYPOMYELINATING, 1; Sudanophilic leukodystrophy; Pelizaeus-Merzbacher spectrum disorder; Pelizaeus-Merzbacher Disease (PMD); Pelizeaus-Merzbacher spectrum disorder. Identifiers: Orphanet 702, MedGen C0205711, MONDO:0010714, OMIM 312080, HP:0003269.

Submission:

Molecular Diagnostics Lab, Nemours Children's Health, Delaware
Classification: Likely pathogenic for Pelizaeus-Merzbacher disease. Last evaluated: 2024-06-14. Review status: criteria provided, single submitter. Criteria: ACMG Guidelines, 2015. Collection method: clinical testing. Allele origin: unknown. Inheritance: X-linked inheritance. Affected: yes. Observed: 1 hemizygote.
Comment: This missense variant (c.121A>C, p.Thr41Pro) has not been observed in population databases (gnomAD). It has not been described in the literature. Variant prediction programs suggest a deleterious effect on the PLP1 protein, but no functional studies have been published.